The following is an entry in ClinVar:

Conditions:
Breast-ovarian cancer, familial, susceptibility to, 1 (BROVCA1). Also called: BRCA1 Hereditary Breast and Ovarian Cancer; OVARIAN CANCER, SUSCEPTIBILITY TO. Identifiers: Orphanet 145, MedGen C2676676, MONDO:0011450, OMIM 604370. Disease mechanism: loss of function.

Submission:

Brotman Baty Institute, University of Washington
No classification provided (evidence only). Condition: Breast-ovarian cancer, familial 1. Review status: no classification provided. Collection method: in vitro. Allele origin: not applicable. Functional consequence: functionally_normal.
ClinVar note: "not provided" was previously submitted as the classification for the variant. However, the classification appeared to be based only on an observation of functional data so it was converted to no classification on 2025-07-30.

NM_007294.4(BRCA1):c.5150T>A (p.Phe1717Tyr)

Gene: BRCA1 (BRCA1 DNA repair associated; minus strand). Cytogenetic location: 17q21.31.
Variant type: single nucleotide variant.
Coding change: c.5150T>A on transcript NM_007294.4 (MANE Select); coding-DNA position 5150, T replaced by A.
Protein change: p.Phe1717Tyr; replaces phenylalanine 1717 with tyrosine.
Molecular consequence: missense variant. On other transcripts: non-coding transcript variant (1).
Genome position (GRCh38, 1-based): chr17:43,063,876, A>T on the plus strand (T>A on the coding strand, the complement: BRCA1 is on the minus strand). VCF-style: chr17-43063876-A-T. GRCh37 (hg19) VCF-style: chr17-41215893-A-T.
Other names: c.4937T>A, p.Phe1646Tyr (NM_001407571.1, NM_001407896.1, NM_001407897.1 and 12 more transcripts); c.5216T>A, p.Phe1739Tyr (NM_001407581.1, NM_001407582.1); c.5213T>A, p.Phe1738Tyr (NM_001407583.1, NM_001407585.1, NM_001407587.1 and 1 more transcripts); c.5210T>A, p.Phe1737Tyr (NM_001407590.1, NM_001407591.1); c.5150T>A, p.Phe1717Tyr (NM_001407593.1, NM_001407594.1, NM_001407596.1 and 7 more transcripts); c.5147T>A, p.Phe1716Tyr (NM_001407610.1, NM_001407611.1, NM_001407612.1 and 17 more transcripts); c.5144T>A, p.Phe1715Tyr (NM_001407627.1, NM_001407628.1, NM_001407629.1 and 14 more transcripts); c.5141T>A, p.Phe1714Tyr (NM_001407644.1, NM_001407645.1); and 71 more; short protein forms F1670Y, F1717Y, F1738Y, F613Y, F1420Y, F1421Y, F1588Y, F1604Y.
Identifiers: ClinVar variation 865023 (VCV000865023.3), dbSNP rs2051906738, ClinGen allele CA10591248.